The following is an entry in ClinVar:

GRCh38/hg38 16p13.3(chr16:7693218-7711417)x1

Genes: RBFOX1 (RNA binding fox-1 homolog 1; plus strand), LOC126862279 (MED14-independent group 3 enhancer GRCh37_chr16:7758954-7760153; plus strand). Cytogenetic location: 16p13.3.
Variant type: copy number loss.
Change: copy number 1 (one copy instead of two) of chr16:7,693,218-7,711,417 (18.2 kb, GRCh38 coordinates, 1-based), cytogenetic band 16p13.3.
Identifiers: ClinVar variation 3571451 (VCV003571451.1).

ClinVar aggregate classification (germline): Uncertain significance (1 of 4 stars; one submission).

Conditions:
Myopathy. Identifiers: MedGen C0026848, MeSH D009135, MONDO:0005336, HP:0003198.

Submission:

Broad Center for Mendelian Genomics, Broad Institute of MIT and Harvard
Classification: Uncertain significance for Myopathy. Last evaluated: 2024-12-12. Review status: criteria provided, single submitter. Criteria: ACMG/ClinGen CNV Guidelines, 2019. Collection method: research. Allele origin: de novo. Inheritance: Autosomal dominant inheritance. Affected: yes. Study: GREGoR Consortium.
Comment: While this gene is still lacking sufficient evidence to establish haploinsufficiency, we believe this is a possible candidate for myopathy. Given the limited information about this gene, the significance of the deletion variant is uncertain. If you have any additional information about functional evidence or other individuals with this phenotype that also have similar deletions we encourage you to reach out to us.